The following is an entry in ClinVar:

NM_001843.4(CNTN1):c.54T>C (p.Cys18=)

Gene: CNTN1 (contactin 1; plus strand). Cytogenetic location: 12q12.
Variant type: single nucleotide variant.
Coding change: c.54T>C on transcript NM_001843.4 (MANE Select); coding-DNA position 54, T replaced by C.
Protein change: p.Cys18=; no amino-acid change (cysteine 18 retained).
Molecular consequence: synonymous variant.
Genome position (GRCh38, 1-based): chr12:40,908,486, T>C. VCF-style: chr12-40908486-T-C. GRCh37 (hg19) VCF-style: chr12-41302288-T-C.
Other names: c.54T>C, p.Cys18= (NM_001256063.2, NM_001256064.2, NM_175038.2).
Identifiers: ClinVar variation 469424 (VCV000469424.19), dbSNP rs149203149, ClinGen allele CA6516500.

ClinVar aggregate classification (germline): Benign/Likely benign. Review status: criteria provided, multiple submitters, no conflicts (2 of 4 stars). 3 submissions from 3 submitters: Benign (2); Likely benign (1). Last evaluated 2026-09-01.

Conditions:
Compton-North congenital myopathy (CMYO12). Identifiers: Orphanet 210163, MedGen C2675527, MONDO:0012929, OMIM 612540.

Allele frequency attached by ClinVar (database versions not stated): gnomAD 0.00022 and 0.00038; ESP Exome Variant Server 0.00023; TOPMed 0.00029; gnomAD exomes 0.00047 and 0.00092; 1000 Genomes Project 30x 0.00062; 1000 Genomes Project 0.00080; ExAC 0.00101.
gnomAD v4.1: 762 of 1,598,100 alleles (0.048%); highest among the groups gnomAD compares: South Asian, 0.48%; 10 homozygotes.

Submissions (3):

CeGaT Center for Human Genetics Tuebingen
Classification: Likely benign. Last evaluated: 2026-09-01. Review status: criteria provided, single submitter. Criteria: CeGaT Center For Human Genetics Tuebingen Variant Classification Criteria Version 2. Collection method: clinical testing. Allele origin: germline. Affected: yes. Observed: 2 variant alleles.
Comment: CNTN1: BP4, BP7

Labcorp Genetics (formerly Invitae), Labcorp
Classification: Benign for Compton-North congenital myopathy. Last evaluated: 2026-01-05. Review status: criteria provided, single submitter. Criteria: Invitae Variant Classification Sherloc (09022015). Collection method: clinical testing. Allele origin: germline.

Breakthrough Genomics
Classification: Benign. Review status: criteria provided, single submitter. Criteria: ACMG Guidelines, 2015. Collection method: not provided. Allele origin: germline. Inheritance: Autosomal recessive inheritance. Affected: yes.